The following is an entry in ClinVar:

NM_005104.4(BRD2):c.611-4C>G

Gene: BRD2 (bromodomain containing 2; plus strand). Cytogenetic location: 6p21.32.
Variant type: single nucleotide variant.
Coding change: c.611-4C>G on transcript NM_005104.4 (MANE Select); 4 bases into the intron before coding-DNA position 611, C replaced by G.
Molecular consequence: intron variant.
Genome position (GRCh38, 1-based): chr6:32,976,246, C>G. VCF-style: chr6-32976246-C-G. GRCh37 (hg19) VCF-style: chr6-32944023-C-G.
Other names: NC_000006.11:g.32944023C>G; c.251-4C>G (NM_001291986.2); c.611-4C>G (NM_001113182.3, NM_001199455.1); c.470-4C>G (NM_001199456.2, NM_001199456.1).
Identifiers: ClinVar variation 770728 (VCV000770728.7), dbSNP rs147965395, ClinGen allele CA3748263.

ClinVar aggregate classification (germline): Benign. Review status: criteria provided, single submitter (1 of 4 stars). 2 submissions from 2 submitters: Benign (1). 1 of the submissions does not count toward it. Last evaluated 2019-12-31.

Conditions:
BRD2-related disorder. Also called: BRD2-related condition.

Allele frequency attached by ClinVar (database versions not stated): 1000 Genomes Project 30x 0.00078; 1000 Genomes Project 0.00100; gnomAD 0.00251 and 0.00252; TOPMed 0.00275; ESP Exome Variant Server 0.00332.
gnomAD v4.1: 6,961 of 1,605,152 alleles (0.43%); highest among the groups gnomAD compares: Non-Finnish European, 0.54%; 34 homozygotes.

Submissions (18):

Labcorp Genetics (formerly Invitae), Labcorp
Classification: Benign. Last evaluated: 2019-12-31. Review status: criteria provided, single submitter. Criteria: Invitae Variant Classification Sherloc (09022015). Collection method: clinical testing. Allele origin: germline.

PreventionGenetics, part of Exact Sciences
Classification: Likely benign for BRD2-related condition. Last evaluated: 2019-03-05. Review status: no assertion criteria provided. Collection method: clinical testing. Allele origin: germline. Not counted in ClinVar's aggregate classification.
Comment: This variant is classified as likely benign based on ACMG/AMP sequence variant interpretation guidelines (Richards et al. 2015 PMID: 25741868, with internal and published modifications).

Dr. Peter K. Rogan Lab, Western University
No classification provided (evidence only). Condition: Lung cancer. Review status: no classification provided. Collection method: in vitro. Allele origin: not applicable. Functional consequence: retained intron. Not counted in ClinVar's aggregate classification.

Dr. Peter K. Rogan Lab, Western University
No classification provided (evidence only). Condition: Lung cancer. Review status: no classification provided. Collection method: in vitro. Allele origin: not applicable. Functional consequence: retained intron. Not counted in ClinVar's aggregate classification.

Dr. Peter K. Rogan Lab, Western University
No classification provided (evidence only). Condition: Lung cancer. Review status: no classification provided. Collection method: in vitro. Allele origin: not applicable. Functional consequence: retained intron. Not counted in ClinVar's aggregate classification.

Dr. Peter K. Rogan Lab, Western University
No classification provided (evidence only). Condition: Melanoma. Review status: no classification provided. Collection method: in vitro. Allele origin: not applicable. Functional consequence: retained intron. Not counted in ClinVar's aggregate classification.

Dr. Peter K. Rogan Lab, Western University
No classification provided (evidence only). Condition: Acute myeloid leukemia. Review status: no classification provided. Collection method: in vitro. Allele origin: not applicable. Functional consequence: retained intron. Not counted in ClinVar's aggregate classification.

Dr. Peter K. Rogan Lab, Western University
No classification provided (evidence only). Condition: Acute myeloid leukemia. Review status: no classification provided. Collection method: in vitro. Allele origin: not applicable. Functional consequence: retained intron. Not counted in ClinVar's aggregate classification.

Dr. Peter K. Rogan Lab, Western University
No classification provided (evidence only). Condition: Acute myeloid leukemia. Review status: no classification provided. Collection method: in vitro. Allele origin: not applicable. Functional consequence: retained intron. Not counted in ClinVar's aggregate classification.

Dr. Peter K. Rogan Lab, Western University
No classification provided (evidence only). Condition: Colon adenocarcinoma. Review status: no classification provided. Collection method: in vitro. Allele origin: not applicable. Functional consequence: retained intron. Not counted in ClinVar's aggregate classification.

Dr. Peter K. Rogan Lab, Western University
No classification provided (evidence only). Condition: Uterine corpus endometrial carcinoma. Review status: no classification provided. Collection method: in vitro. Allele origin: not applicable. Functional consequence: retained intron. Not counted in ClinVar's aggregate classification.

Dr. Peter K. Rogan Lab, Western University
No classification provided (evidence only). Condition: Cervical cancer. Review status: no classification provided. Collection method: in vitro. Allele origin: not applicable. Functional consequence: retained intron. Not counted in ClinVar's aggregate classification.

Dr. Peter K. Rogan Lab, Western University
No classification provided (evidence only). Condition: Cervical cancer. Review status: no classification provided. Collection method: in vitro. Allele origin: not applicable. Functional consequence: retained intron. Not counted in ClinVar's aggregate classification.

Dr. Peter K. Rogan Lab, Western University
No classification provided (evidence only). Condition: Thymoma. Review status: no classification provided. Collection method: in vitro. Allele origin: not applicable. Functional consequence: retained intron. Not counted in ClinVar's aggregate classification.

Dr. Peter K. Rogan Lab, Western University
No classification provided (evidence only). Condition: Ovarian serous cystadenocarcinoma. Review status: no classification provided. Collection method: in vitro. Allele origin: not applicable. Functional consequence: retained intron. Not counted in ClinVar's aggregate classification.

Dr. Peter K. Rogan Lab, Western University
No classification provided (evidence only). Condition: Ovarian serous cystadenocarcinoma. Review status: no classification provided. Collection method: in vitro. Allele origin: not applicable. Functional consequence: retained intron. Not counted in ClinVar's aggregate classification.

Dr. Peter K. Rogan Lab, Western University
No classification provided (evidence only). Condition: Gastric cancer. Review status: no classification provided. Collection method: in vitro. Allele origin: not applicable. Functional consequence: retained intron. Not counted in ClinVar's aggregate classification.

Dr. Peter K. Rogan Lab, Western University
No classification provided (evidence only). Condition: Adrenocortical carcinoma, hereditary. Review status: no classification provided. Collection method: in vitro. Allele origin: not applicable. Functional consequence: retained intron. Not counted in ClinVar's aggregate classification.